The following is an entry in ClinVar:

ClinVar aggregate classification (germline): Pathogenic (1 of 4 stars; one submission).

Conditions:
Neurofibromatosis, type 1 (NF1). Also called: VON RECKLINGHAUSEN DISEASE; Peripheral type neurofibromatosis; NEUROFIBROMATOSIS, TYPE I, SOMATIC; Neurofibromatosis, type I. Identifiers: Orphanet 636, MedGen C0027831, MONDO:0018975, OMIM 162200. Disease mechanism: loss of function.

Submission:

Labcorp Genetics (formerly Invitae), Labcorp
Classification: Pathogenic for Neurofibromatosis, type 1. Last evaluated: 2025-03-18. Review status: criteria provided, single submitter. Criteria: Invitae Variant Classification Sherloc (09022015). Collection method: clinical testing. Allele origin: germline.
Comment: This sequence change creates a premature translational stop signal (p.Asp301Alafs*16) in the NF1 gene. It is expected to result in an absent or disrupted protein product. Loss-of-function variants in NF1 are known to be pathogenic (PMID: 10712197, 23913538). This variant is not present in population databases (gnomAD no frequency). This premature translational stop signal has been observed in individual(s) with neurofibromatosis type 1 and cerebral cavernous malformations (PMID: 25702150). For these reasons, this variant has been classified as Pathogenic.

Literature cited by the submitters: PubMed 10712197; PubMed 23913538; PubMed 25702150.

NM_001042492.3(NF1):c.902del (p.Asp301fs)

Gene: NF1 (neurofibromin 1; plus strand). Cytogenetic location: 17q11.2.
Variant type: Deletion.
Coding change: c.902del on transcript NM_001042492.3 (MANE Select); coding-DNA position 902, one base deleted (A; older notation c.902delA).
Protein change: p.Asp301fs; shifts the reading frame from aspartic acid 301.
Molecular consequence: frameshift variant.
Genome position (GRCh38, 1-based): chr17:31,200,435, A deleted. VCF-style (leftmost placement, unchanged base first): chr17-31200434-GA-G. GRCh37 (hg19) VCF-style: chr17-29527452-GA-G.
Other names: c.902del, p.Asp301fs (NM_000267.4, NM_001128147.3); short protein forms D301fs.
Identifiers: ClinVar variation 4710339 (VCV004710339.1).
Genomic context (GRCh38, chr17:31,200,434, plus strand): 5'-TAGAAGAAACTTCATATATTATCTTATCGCTATATTTGAATTCTGTAGAAGTTATTTCTG[GA>G]CAGTCTACGAAAAGCTCTTGCTGGCCATGGAGGAAGTAGGCAGCTGACAGAAAGTGCTGC-3'